The following is an entry in ClinVar:

ClinVar aggregate classification (germline): Pathogenic/Likely pathogenic. Review status: criteria provided, multiple submitters, no conflicts (2 of 4 stars). 13 submissions from 12 submitters: Pathogenic (5); Likely pathogenic (4). 4 of the submissions do not count toward it. Last evaluated 2026-02-08.

Conditions:
TTC8-related disorder. Also called: TTC8-related condition.
Bardet-Biedl syndrome 8 (BBS8). Identifiers: Orphanet 110, MedGen C1859566, MONDO:0014436, OMIM 615985.
Retinitis pigmentosa 51 (RP51). Identifiers: Orphanet 791, MedGen C3150715, MONDO:0013274, OMIM 613464.
Retinal dystrophy. Also called: Inherited retinal dystrophy. Identifiers: Orphanet 71862, MedGen C0854723, MeSH D058499, MONDO:0019118, HP:0000556.
Bardet-Biedl syndrome (BBS). Identifiers: Orphanet 110, MedGen C0752166, MONDO:0015229.
Truncal obesity. Identifiers: MedGen C4551560, HP:0001956.
Moderate intellectual disability. Also called: Moderate ID; Moderae intellectual disability. Identifiers: MedGen C0026351, HP:0002342.
Postaxial foot polydactyly. Identifiers: MedGen C2112129, HP:0001830.

Allele frequency attached by ClinVar (database versions not stated): gnomAD 0.00004; TOPMed 0.00004; gnomAD exomes 0.00006; ExAC 0.00009.
gnomAD v4.1: 89 of 1,613,784 alleles (0.0055%); highest among the groups gnomAD compares: Non-Finnish European, 0.0071%; no homozygotes.

Submissions (14):

PreventionGenetics, part of Exact Sciences
Classification: Likely pathogenic for TTC8-related condition. Last evaluated: 2026-02-08. Review status: criteria provided, single submitter. Criteria: ACMG Guidelines, 2015. Collection method: clinical testing. Allele origin: germline.
Comment: The TTC8 c.489G>A variant is not predicted to result in an amino acid change (p.=). This variant is in the last codon of exon 5 and is predicted to alter splicing based on available splicing prediction programs (SpliceAI, Jaganathan et al. 2019. PubMed ID: 30661751). This variant has been reported in the homozygous and compound heterozygous states in multiple patients with autosomal recessive TTC8-related disorders (alternate nomenclature c.459G>A; Stoetzel et al. 2005. PubMed ID: 16308660; Jeziorny et al. 2020. PubMed ID: 33138063; Orlova et al. 2024. PubMed ID: 39092430). This variant is reported in 0.014% of alleles in individuals of European (Non-Finnish) descent in gnomAD. This variant is interpreted as likely pathogenic.

Labcorp Genetics (formerly Invitae), Labcorp
Classification: Pathogenic for Bardet-Biedl syndrome. Last evaluated: 2025-03-30. Review status: criteria provided, single submitter. Criteria: Invitae Variant Classification Sherloc (09022015). Collection method: clinical testing. Allele origin: germline.
Comment: This sequence change affects codon 153 of the TTC8 mRNA. It is a 'silent' change, meaning that it does not change the encoded amino acid sequence of the TTC8 protein. This variant also falls at the last nucleotide of exon 5, which is part of the consensus splice site for this exon. This variant is present in population databases (rs119103286, gnomAD 0.01%). This variant has been observed in individual(s) with Bardet–Biedl syndrome (PMID: 16308660). It has also been observed to segregate with disease in related individuals. ClinVar contains an entry for this variant (Variation ID: 2530). Variants that disrupt the consensus splice site are a relatively common cause of aberrant splicing (PMID: 17576681, 9536098). Algorithms developed to predict the effect of sequence changes on RNA splicing suggest that this variant may disrupt the consensus splice site. For these reasons, this variant has been classified as Pathogenic.

Laboratory of Genetics, Children's Clinical University Hospital Latvia
Classification: Pathogenic. Last evaluated: 2025-02-16. Review status: criteria provided, single submitter. Criteria: ACMG Guidelines, 2015. Collection method: clinical testing. Allele origin: germline. Affected: yes.

Blueprint Genetics
Classification: Pathogenic for TTC8-related disorders. Last evaluated: 2024-11-14. Review status: criteria provided, single submitter. Criteria: ACMG Guidelines, 2015. Collection method: clinical testing. Allele origin: germline. Affected: yes. Observed: 5 variant alleles.

Baylor Genetics
Classification: Likely pathogenic for Retinitis pigmentosa 51. Last evaluated: 2024-03-17. Review status: criteria provided, single submitter. Criteria: ACMG Guidelines, 2015. Collection method: clinical testing. Allele origin: unknown.

Fulgent Genetics
Classification: Likely pathogenic for Retinitis pigmentosa 51; Bardet-Biedl syndrome 8. Last evaluated: 2024-02-26. Review status: criteria provided, single submitter. Criteria: ACMG Guidelines, 2015. Collection method: clinical testing. Allele origin: germline.

Women's Health and Genetics/Laboratory Corporation of America, LabCorp
Classification: Pathogenic for Bardet-Biedl syndrome. Last evaluated: 2021-10-25. Review status: criteria provided, single submitter. Criteria: LabCorp Variant Classification Summary - May 2015. Collection method: clinical testing. Allele origin: germline.
Comment: Variant summary: TTC8 c.459G>A (p.Thr153Thr) alters a conserved nucleotide located close to a canonical splice site and therefore could affect mRNA splicing, leading to a significantly altered protein sequence. Several computational tools predict a significant impact on normal splicing: Four predict the variant abolishes a 5` splicing donor site. However, these predictions have yet to be confirmed by functional studies. The variant allele was found at a frequency of 6.4e-05 in 250626 control chromosomes (gnomAD). This frequency is not significantly higher than expected for a pathogenic variant in TTC8 causing Bardet-Biedl Syndrome (6.4e-05 vs 0.00044), allowing no conclusion about variant significance. c.459G>A has been reported in the literature in multiple individuals affected with Bardet-Biedl Syndrome (Stoetzel_2005, Bergant_2017, Jeziorny_2020). Additionally, this variant was found in three homozygous patients (siblings) and co-segregated with the disease in one family (Stoetzel_2005). These data indicate that the variant is very likely to be associated with disease. To our knowledge, no experimental evidence demonstrating an impact on protein function has been reported. Five ClinVar submitters (evaluation after 2014) cite the variant as uncertain significance (n=1), likely pathogenic (n=1) and pathogenic (n=3). Based on the evidence outlined above, the variant was classified as pathogenic.

Centre for Mendelian Genomics, University Medical Centre Ljubljana
Classification: Pathogenic for Retinitis pigmentosa 51. Last evaluated: 2019-09-13. Review status: criteria provided, single submitter. Criteria: ACMG Guidelines, 2015. Collection method: clinical testing. Allele origin: unknown. Affected: yes.
Comment: This variant was classified as: Pathogenic. The following ACMG criteria were applied in classifying this variant: PS1,PP1-S,PM2,PP3. This variant was detected in homozygous state.

Centre for Mendelian Genomics, University Medical Centre Ljubljana
Classification: Likely pathogenic for Moderate intellectual disability; Postaxial foot polydactyly; Truncal obesity. Last evaluated: 2015-07-21. Review status: criteria provided, single submitter. Criteria: ACMG Guidelines, 2015. Collection method: clinical testing. Allele origin: unknown. Affected: yes.

Institute of Human Genetics, Univ. Regensburg, Univ. Regensburg
Classification: Likely pathogenic for Retinal dystrophy. Last evaluated: 2022-01-01. Review status: no assertion criteria provided. Criteria: ACMG Guidelines, 2015. Collection method: clinical testing. Allele origin: germline. Affected: yes. Not counted in ClinVar's aggregate classification.

OMIM
Classification: Pathogenic for BARDET-BIEDL SYNDROME 8. Last evaluated: 2006-01-01. Review status: no assertion criteria provided. Collection method: literature only. Allele origin: germline. Not counted in ClinVar's aggregate classification.

Dr. Peter K. Rogan Lab, Western University
No classification provided (evidence only). Condition: Ovarian serous cystadenocarcinoma. Review status: no classification provided. Collection method: in vitro. Allele origin: not applicable. Functional consequence: retained intron. Not counted in ClinVar's aggregate classification.

Kasturba Medical College, Manipal, Kasturba Medical College, Manipal, Manipal Academy of Higher Education, Manipal, India
Classification: Pathogenic for Bardet-Biedl syndrome 8. Review status: no assertion criteria provided. Collection method: clinical testing. Allele origin: biparental. Affected: yes. Not counted in ClinVar's aggregate classification.

Laboratory for Molecular Medicine, Mass General Brigham Personalized Medicine
Classification: Uncertain significance for Bardet-Biedl syndrome 8. Last evaluated: 2014-12-10. Review status: flagged submission. Criteria: LMM Criteria. Collection method: clinical testing. Allele origin: germline. Inheritance: Autosomal recessive inheritance. Observed: 1 variant allele. Study: CSER-MedSeq. Not counted in ClinVar's aggregate classification.
Comment: This variant has been identified in 0.023% (2/8600) of European American chromosomes by the NHLBI Exome Sequencing Project (dbSNP rs119103286). Although this variant has been seen in the general population, its frequency is low enough to be consistent with a recessive carrier frequency. This variant is located in the last three bases of the exon, which is part of the 5’ splice region. Computational tools predict altered splicing. However, this information is not predictive enough to determine pathogenicity. In summary, while there is some suspicion for a pathogenic role, the clinical significance of the p.Thr163Thr variant is uncertain.
ClinVar note: Reason: Outlier claim with insufficient supporting evidence

Literature cited by the submitters: PubMed 16308660 (cited by 4 submitters); PubMed 17576681 (cited by Labcorp Genetics (formerly Invitae), Labcorp); PubMed 9536098 (cited by Labcorp Genetics (formerly Invitae), Labcorp); PubMed 21044901 (cited by Women's Health and Genetics/Laboratory Corporation of America, LabCorp); PubMed 20177705 (cited by Women's Health and Genetics/Laboratory Corporation of America, LabCorp); PubMed 28914264 (cited by Women's Health and Genetics/Laboratory Corporation of America, LabCorp); PubMed 29030401 (cited by Women's Health and Genetics/Laboratory Corporation of America, LabCorp); PubMed 26401321 (cited by Women's Health and Genetics/Laboratory Corporation of America, LabCorp); PubMed 33138063 (cited by Women's Health and Genetics/Laboratory Corporation of America, LabCorp); PubMed 32962042 (cited by Women's Health and Genetics/Laboratory Corporation of America, LabCorp); PubMed 30886724 (cited by Women's Health and Genetics/Laboratory Corporation of America, LabCorp); DOI 10.1111/cge.12737 (cited by Kasturba Medical College, Manipal, Kasturba Medical College, Manipal, Manipal Academy of Higher Education, Manipal, India).

NM_144596.4(TTC8):c.489G>A (p.Thr163=)

Gene: TTC8 (tetratricopeptide repeat domain 8; plus strand). Cytogenetic location: 14q31.3.
Variant type: single nucleotide variant.
Coding change: c.489G>A on transcript NM_144596.4 (MANE Select); coding-DNA position 489, G replaced by A.
Protein change: p.Thr163=; no amino-acid change (threonine 163 retained).
Molecular consequence: synonymous variant. On other transcripts: 5 prime UTR variant (2), non-coding transcript variant (1).
Genome position (GRCh38, 1-based): chr14:88,841,196, G>A. VCF-style: chr14-88841196-G-A. GRCh37 (hg19) VCF-style: chr14-89307540-G-A.
Other names: T153T; c.459G>A, p.Thr153= (NM_001288781.1, NM_001366535.2, NM_001366536.2 and 2 more transcripts); c.-104G>A (NM_001288782.1); c.-199G>A (NM_001288783.1).
Identifiers: ClinVar variation 2530 (VCV000002530.34), dbSNP rs119103286, ClinGen allele CA339995.